The following is an entry in ClinVar:

ClinVar aggregate classification (germline): Uncertain significance (1 of 4 stars; one submission).

Conditions:
Weiss-Kruszka syndrome. Also called: Metopic ridging-ptosis-facial dysmorphism syndrome. Identifiers: Orphanet 502430, MedGen C5568107, MONDO:0032836, OMIM 618619.

gnomAD v4.1: 23 of 1,614,010 alleles (0.0014%); highest among the groups gnomAD compares: South Asian, 0.022%; no homozygotes.

Submission:

Neuberg Centre For Genomic Medicine, NCGM
Classification: Uncertain significance for Weiss-Kruszka syndrome. Last evaluated: 2023-06-02. Review status: criteria provided, single submitter. Criteria: ACMG Guidelines, 2015. Collection method: clinical testing. Allele origin: germline. Inheritance: Autosomal dominant inheritance. Affected: yes.
Comment: The missense variant c.4759G>T(p.Gly1587Cys) in ZNF462 gene has not been reported previously as a pathogenic variant nor as a benign variant, to our knowledge. The observed variant is absent in gnomAD exomes database. This variant has not been submitted to the ClinVar database. Multiple lines of computational evidence (Polyphen - probably damaging, SIFT - damaging and MutationTaster - disease causing) predict a damaging effect on protein structure and function for this variant. The reference amino acid change p.Gly1587Cys in ZNF462 is predicted as conserved by GERP++ and PhyloP across 100 vertebrates. The amino acid Gly at position 1587 is changed to a Cys changing protein sequence and it might alter its composition and physico-chemical properties. For these reasons, this variant has been classified as Uncertain Significance (VUS).

NM_021224.6(ZNF462):c.4759G>T (p.Gly1587Cys)

Gene: ZNF462 (zinc finger protein 462; plus strand). Cytogenetic location: 9q31.2.
Variant type: single nucleotide variant.
Coding change: c.4759G>T on transcript NM_021224.6 (MANE Select); coding-DNA position 4759, G replaced by T.
Protein change: p.Gly1587Cys; replaces glycine 1587 with cysteine.
Molecular consequence: missense variant. On other transcripts: intron variant (1).
Genome position (GRCh38, 1-based): chr9:106,928,671, G>T. VCF-style: chr9-106928671-G-T. GRCh37 (hg19) VCF-style: chr9-109690952-G-T.
Other names: c.3252+1507G>T (NM_001347997.2); short protein forms G1587C.
Identifiers: ClinVar variation 3362335 (VCV003362335.3).